The following is an entry in ClinVar:

NM_001370259.2(MEN1):c.88G>A (p.Glu30Lys)

Gene: MEN1 (menin 1; minus strand). Cytogenetic location: 11q13.1.
Variant type: single nucleotide variant.
Coding change: c.88G>A on transcript NM_001370259.2 (MANE Select); coding-DNA position 88, G replaced by A.
Protein change: p.Glu30Lys; replaces glutamic acid 30 with lysine.
Molecular consequence: missense variant.
Genome position (GRCh38, 1-based): chr11:64,810,022, C>T on the plus strand (G>A on the coding strand, the complement: MEN1 is on the minus strand). VCF-style: chr11-64810022-C-T. GRCh37 (hg19) VCF-style: chr11-64577494-C-T.
Other names: c.88G>A, p.Glu30Lys (NM_000244.4, NM_001370251.2, NM_001370260.2 and 9 more transcripts); c.88G>A (NM_130799.2); short protein forms E30K.
Identifiers: ClinVar variation 1346329 (VCV001346329.7), dbSNP rs2136194576, ClinGen allele CA381188018.

ClinVar aggregate classification (germline): Uncertain significance. Review status: criteria provided, multiple submitters, no conflicts (2 of 4 stars). 2 submissions from 2 submitters: Uncertain significance (2). Last evaluated 2023-03-17.

Conditions:
Hereditary cancer-predisposing syndrome. Also called: Hereditary Cancer Syndrome; Neoplastic Syndromes, Hereditary; Tumor predisposition; Hereditary neoplastic syndrome. Identifiers: Orphanet 140162, MedGen C0027672, MeSH D009386, MONDO:0015356.
Multiple endocrine neoplasia, type 1 (MEN1). Also called: MEN I; WERMER SYNDROME; MEA I; Endocrine adenomatosis multiple; MEN 1. Identifiers: Orphanet 652, MedGen C0025267, MeSH D018761, MONDO:0007540, OMIM 131100.

Submissions (2):

Ambry Genetics
Classification: Uncertain significance for Hereditary cancer-predisposing syndrome. Last evaluated: 2023-03-17. Review status: criteria provided, single submitter. Criteria: Ambry Variant Classification Scheme 2023. Collection method: clinical testing. Allele origin: germline.
Comment: The p.E30K variant (also known as c.88G>A), located in coding exon 1 of the MEN1 gene, results from a G to A substitution at nucleotide position 88. The glutamic acid at codon 30 is replaced by lysine, an amino acid with similar properties. This amino acid position is conserved. In addition, the in silico prediction for this alteration is inconclusive. Since supporting evidence is limited at this time, the clinical significance of this alteration remains unclear.

Labcorp Genetics (formerly Invitae), Labcorp
Classification: Uncertain significance for Multiple endocrine neoplasia, type 1. Last evaluated: 2021-12-11. Review status: criteria provided, single submitter. Criteria: Invitae Variant Classification Sherloc (09022015). Collection method: clinical testing. Allele origin: germline.
Comment: In summary, the available evidence is currently insufficient to determine the role of this variant in disease. Therefore, it has been classified as a Variant of Uncertain Significance. Advanced modeling of protein sequence and biophysical properties (such as structural, functional, and spatial information, amino acid conservation, physicochemical variation, residue mobility, and thermodynamic stability) performed at Invitae indicates that this missense variant is not expected to disrupt MEN1 protein function. This variant has not been reported in the literature in individuals affected with MEN1-related conditions. This variant is not present in population databases (gnomAD no frequency). This sequence change replaces glutamic acid, which is acidic and polar, with lysine, which is basic and polar, at codon 30 of the MEN1 protein (p.Glu30Lys).